The following is an entry in ClinVar:

NM_058216.3(RAD51C):c.361del (p.Thr121fs)

Gene: RAD51C (RAD51 paralog C; plus strand). Cytogenetic location: 17q22.
Variant type: Deletion.
Coding change: c.361del on transcript NM_058216.3 (MANE Select); coding-DNA position 361, one base deleted (A; older notation c.361delA).
Protein change: p.Thr121fs; shifts the reading frame from threonine 121.
Molecular consequence: frameshift variant. On other transcripts: non-coding transcript variant (2).
Genome position (GRCh38, 1-based): chr17:58,695,146, A deleted; the last of 2 consecutive A bases (chr17:58,695,145-58,695,146); deleting either gives the same sequence. VCF-style (leftmost placement, unchanged base first): chr17-58695144-CA-C. GRCh37 (hg19) VCF-style: chr17-56772505-CA-C.
Other names: c.361del, p.Thr121fs (NM_002876.4); c.361delA, p.Thr121Glnfs (NM_058217.1); short protein forms T121fs.
Identifiers: ClinVar variation 3148400 (VCV003148400.1), dbSNP rs2509275911, ClinGen allele CA2825002560.
Genomic context (GRCh38, chr17:58,695,144, plus strand): 5'-TAATCACCTTCTGTTCAGCACTAGATGATATTCTTGGGGGTGGAGTGCCCTTAATGAAAA[CA>C]ACAGAAATTTGTGGTGCACCAGGTGTTGGAAAAACACAATTATGGTAAAATAAAGTGTTC-3'

ClinVar aggregate classification (germline): Pathogenic (1 of 4 stars; one submission).

Conditions:
Breast-ovarian cancer, familial, susceptibility to, 3. Also called: RAD51C-Related Breast/Ovarian Cancer. Identifiers: Orphanet 145, MedGen C3150659, MONDO:0013253, OMIM 613399.

Submission:

Myriad Genetics, Inc.
Classification: Pathogenic for Breast-ovarian cancer, familial, susceptibility to, 3. Last evaluated: 2024-01-02. Review status: criteria provided, single submitter. Criteria: Myriad Autosomal Dominant, Autosomal Recessive and X-Linked Classification Criteria (2023). Collection method: clinical testing. Allele origin: unknown.
Comment: This variant is considered pathogenic. This variant creates a frameshift predicted to result in premature protein truncation.